The following is an entry in ClinVar:

NM_014875.3(KIF14):c.3450G>T (p.Met1150Ile)

Gene: KIF14 (kinesin family member 14; minus strand). Cytogenetic location: 1q32.1.
Variant type: single nucleotide variant.
Coding change: c.3450G>T on transcript NM_014875.3 (MANE Select); coding-DNA position 3450, G replaced by T.
Protein change: p.Met1150Ile; replaces methionine 1150 with isoleucine.
Molecular consequence: missense variant.
Genome position (GRCh38, 1-based): chr1:200,580,269, C>A on the plus strand (G>T on the coding strand, the complement: KIF14 is on the minus strand). VCF-style: chr1-200580269-C-A. GRCh37 (hg19) VCF-style: chr1-200549397-C-A.
Other names: c.1977G>T, p.Met659Ile (NM_001305792.1); short protein forms M1150I, M659I.
Identifiers: ClinVar variation 3257686 (VCV003257686.17).

ClinVar aggregate classification (germline): Uncertain significance (1 of 4 stars; one submission).

Submission:

CeGaT Center for Human Genetics Tuebingen
Classification: Uncertain significance. Last evaluated: 2024-07-01. Review status: criteria provided, single submitter. Criteria: CeGaT Center For Human Genetics Tuebingen Variant Classification Criteria Version 2. Collection method: clinical testing. Allele origin: germline. Affected: yes. Observed: 1 variant allele.
Comment: KIF14: PM2